The following is an entry in ClinVar:

NM_000257.4(MYH7):c.4985G>C (p.Arg1662Pro)

Genes: MHRT (myosin heavy chain associated RNA transcript; plus strand), MYH7 (myosin heavy chain 7; minus strand), LOC126861897 (BRD4-independent group 4 enhancer GRCh37_chr14:23884455-23885654; plus strand). Cytogenetic location: 14q11.2.
Variant type: single nucleotide variant.
Coding change: c.4985G>C on transcript NM_000257.4 (MANE Select); coding-DNA position 4985, G replaced by C.
Protein change: p.Arg1662Pro; replaces arginine 1662 with proline.
Molecular consequence: missense variant. On other transcripts: non-coding transcript variant (1).
Genome position (GRCh38, 1-based): chr14:23,415,801, C>G on the plus strand (G>C on the coding strand, the complement: MYH7 is on the minus strand). VCF-style: chr14-23415801-C-G. GRCh37 (hg19) VCF-style: chr14-23885010-C-G.
Other names: c.4985G>C, p.Arg1662Pro (LRG_384t1); short protein forms R1662P.
Identifiers: ClinVar variation 143215 (VCV000143215.7), dbSNP rs370328209, ClinGen allele CA015530.

ClinVar aggregate classification (germline): Uncertain significance. Review status: criteria provided, multiple submitters, no conflicts (2 of 4 stars). 3 submissions from 3 submitters: Uncertain significance (2). 1 of the submissions does not count toward it. Last evaluated 2023-10-06.

Conditions:
MYH7-related disorder. Also called: MYH7-related condition; MYH7-related disease; MYH7-related disorders.
Cardiomyopathy (CMYO). Also called: Cardiomyopathies. Identifiers: Orphanet 167848, MedGen C0878544, MONDO:0004994, HP:0001638. Inheritance: Various modes of inheritance.
MYH7-related skeletal myopathy. Also called: Myopathy, distal, 1; Laing distal myopathy; Laing early-onset distal myopathy; MYOPATHY, DISTAL, EARLY-ONSET, AUTOSOMAL DOMINANT; MYOPATHY, LATE DISTAL HEREDITARY. Identifiers: Orphanet 59135, MedGen C4552004, MONDO:0008050, OMIM 160500.

Submissions (3):

All of Us Research Program, National Institutes of Health
Classification: Uncertain significance for Cardiomyopathy. Last evaluated: 2023-10-06. Review status: criteria provided, single submitter. Criteria: ACMG Guidelines, 2015. Collection method: clinical testing. Allele origin: germline. Inheritance: Autosomal dominant inheritance. Observed: 1 variant allele, 1 heterozygote.
Comment: This missense variant replaces arginine with proline at codon 1662 of the MYH7 protein. Computational prediction suggests that this variant may have deleterious impact on protein structure and function (internally defined REVEL score threshold >= 0.7, PMID: 27666373). To our knowledge, functional studies have not been reported for this variant. This variant has been reported in a two unrelated families affected with Laing distal myopathy (PMID: 33298082 and 24664454). This variant has not been reported in individuals with MYH7-related cardiovascular disorders. This variant has not been identified in the general population by the Genome Aggregation Database (gnomAD). The available evidence is insufficient to determine the role of this variant in disease conclusively. Therefore, this variant is classified as a Variant of Uncertain Significance.

This study involves interpretation of variants in research participants for the purpose of population health screening. Participant phenotype was not available at the time of variant classification. Additional details can be found in publication PMID: 35346344, PMCID: PMC8962531

Illumina Laboratory Services, Illumina
Classification: Uncertain significance. Last evaluated: 2021-10-27. Review status: criteria provided, single submitter. Criteria: ICSLVariantClassificationCriteria RUGD 01 April 2020. Collection method: clinical testing. Allele origin: unknown.
Comment: The MYH7 c.4985G>C (p.Arg1662Pro) variant is a missense variant. This variant was first reported by Lamont et al. (2014) in an Italian family with Laing distal myopathy, though it is unclear how many affected family members carried the variant. Yu et al. (2020) also identified the variant in a Chinese family with Laing distal myopathy, where the variant segregated with disease in the affected mother and daughter. This variant is not found in version 2.1.1 or version 3.1.2 of the Genome Aggregation Database despite its location in a region of good sequencing coverage, which suggests the variant is rare. Based on the available evidence, the p.Arg1662Pro variant is classified as a variant of uncertain significance for Laing distal myopathy.

Neurogenetics Laboratory, Royal Perth Hospital
Classification: Pathogenic for Myopathy, distal, 1. Last evaluated: 2013-01-01. Review status: no assertion criteria provided. Collection method: clinical testing. Allele origin: germline. Inheritance: Autosomal dominant inheritance. Affected: yes. Observed: 3 variant alleles. Not counted in ClinVar's aggregate classification.

Literature cited by the submitters: PubMed 33298082 (cited by All of Us Research Program, National Institutes of Health and Illumina Laboratory Services, Illumina); PubMed 24664454 (cited by Illumina Laboratory Services, Illumina and Neurogenetics Laboratory, Royal Perth Hospital).